The following is an entry in ClinVar:

NM_001122955.4(BSCL2):c.487-129G>T

Genes: BSCL2 (BSCL2 lipid droplet biogenesis associated, seipin; minus strand), HNRNPUL2-BSCL2 (HNRNPUL2-BSCL2 readthrough (NMD candidate); minus strand). Cytogenetic location: 11q12.3.
Variant type: single nucleotide variant.
Coding change: c.487-129G>T on transcript NM_001122955.4 (MANE Select); 129 bases into the intron before coding-DNA position 487, G replaced by T.
Molecular consequence: intron variant.
Genome position (GRCh38, 1-based): chr11:62,694,840, C>A on the plus strand (G>T on the coding strand, the complement: BSCL2 is on the minus strand). VCF-style: chr11-62694840-C-A. GRCh37 (hg19) VCF-style: chr11-62462312-C-A.
Other names: c.295-129G>T (NM_001130702.2, NM_032667.6); c.487-129G>T (NM_001386028.1, NM_001386027.1).
Identifiers: ClinVar variation 678230 (VCV000678230.2), dbSNP rs2845671, ClinGen allele CA223633413.
Genomic context (GRCh38, chr11:62,694,840, plus strand): 5'-TCCCTCTTAGCCCCCGCAACGCCCCCAAATACTCAGCCACAACCCTCTTGGGTAGCCTAA[C>A]GGGCCTTTCAATCTGTCATCCCAAGAAGGTGCTGCCCCCTTCTGGTGGCTAGAGCCTCTC-3'

ClinVar aggregate classification (germline): Benign. Review status: criteria provided, multiple submitters, no conflicts (2 of 4 stars). 2 submissions from 2 submitters: Benign (2). Last evaluated 2018-06-20.

Allele frequency attached by ClinVar (database versions not stated): 1000 Genomes Project 0.02616; 1000 Genomes Project 30x 0.02748; TOPMed 0.02854.
gnomAD v4.1: 6,818 of 1,137,644 alleles (0.6%); highest among the groups gnomAD compares: African/African-American, 8.8%; 242 homozygotes.

Submissions (2):

GeneDx
Classification: Benign. Last evaluated: 2018-06-20. Review status: criteria provided, single submitter. Criteria: GeneDx Variant Classification (06012015). Collection method: clinical testing. Allele origin: germline. Affected: yes.
Comment: This variant is considered likely benign or benign based on one or more of the following criteria: it is a conservative change, it occurs at a poorly conserved position in the protein, it is predicted to be benign by multiple in silico algorithms, and/or has population frequency not consistent with disease.

Breakthrough Genomics
Classification: Benign. Review status: criteria provided, single submitter. Criteria: ACMG Guidelines, 2015. Collection method: not provided. Allele origin: germline. Inheritance: Autosomal recessive inheritance. Affected: yes.